The following continues an entry in ClinVar:

NM_000256.3(MYBPC3):c.927-9G>A

Gene: MYBPC3. ClinVar aggregate classification (germline): Pathogenic/Likely pathogenic. Pathogenic (21); Likely pathogenic (1).

Submissions 7 to 18 of 23:

3billion
Classification: Pathogenic for Hypertrophic cardiomyopathy 4. Last evaluated: 2025-04-25. Review status: criteria provided, single submitter. Criteria: ACMG Guidelines, 2015. Collection method: clinical testing. Allele origin: germline. Affected: yes.
Comment: The variant is observed at an extremely low frequency in the gnomAD v4.1.0 dataset (total allele frequency: 0.001%). Predicted Consequence/Location: ntron variant Functional studies provide supporting evidence of the variant having a damaging effect on the gene or gene product (PMID: 25031304). In silico tools predict the variant to alter splicing and produce an abnormal transcript [SpliceAI: 0.28 (>=0.2, moderate evidence for spliceogenicity)]. The variant has been observed in at least two similarly affected unrelated individuals (PMID: 20433692, 24113344, 28408708, 28615295, 28790153, 29030401, 33658374). The variant has been reported to co-segregate with the disease in at least 3 similarly affected relatives/individuals in the same family or similarly affected unrelated families (PMID: 24113344). The variant has been reported at least twice as pathogenic with clinical assertions and evidence for the classification (ClinVar ID: VCV000042807 / PMID: 21488308 / 3billion dataset). Therefore, this variant is classified as Pathogenic according to the recommendation of ACMG/AMP guideline.

All of Us Research Program, National Institutes of Health
Classification: Pathogenic for Hypertrophic cardiomyopathy. Last evaluated: 2024-09-16. Review status: criteria provided, single submitter. Criteria: ACMG Guidelines, 2015. Collection method: clinical testing. Allele origin: germline. Inheritance: Autosomal dominant inheritance. Observed: 7 variant alleles, 7 heterozygotes.
Comment: The c.927-9G>A variant, located in the splice region of intron 11 of the MYBPC3 gene (also known as IVS11-9G>A in literature), is predicted to impact splicing (SpliceAI delta score: 0.29). A mini-gene splicing assay exhibited the existence of a short transcript lacking exon 12 in approximately equal amount of the normal transcript in wild type Hela cells (Crehalet 2012, DOI 10.4081/cardiogenetics.2012.e6). This study has also shown that this variant causes complete skipping of exon 12, which is expected to result in frameshift and premature translation stop. Another study using ventricular myocardial tissue from an individual affected with hypertrophic cardiomyopathy (HCM) has shown that this variant causes inclusion of intron 11 and premature truncation in ~40% of the transcripts (PMID: 25031304). A recent study using RNA samples from two affected carriers could only detect band responding to WT with intensity reduced or disappear (PMID: 30645170), which may account for the 35% reduction in MyBP-C in the individual HCM sample with variant c.927-9G>A (PMID: 30550750). This variant has been reported in over 20 individuals affected with HCM (PMID: 21488308, 20433692, 23549607, 24113344, 26914223, 29121657, 31737537, 30550750, 28408708, 28615295, 28790153, 29030401, 33658374, 35508642). This variant has been observed to segregate with HCM in multiple families (PMID: 20433692, 24113344, 33658374). In addition, this variant has been identified in 2/217270 chromosomes in the general population by the Genome Aggregation Database (gnomAD). Based on these evidence, the c.927-9G>A variant in MYBPC3 is classified as pathogenic.[Bo, 2024-03-18]

This study involves interpretation of variants in research participants for the purpose of population health screening. Participant phenotype was not available at the time of variant classification. Additional details can be found in publication PMID: 35346344, PMCID: PMC8962531

Color Diagnostics, LLC DBA Color Health
Classification: Pathogenic for Cardiomyopathy. Last evaluated: 2024-01-30. Review status: criteria provided, single submitter. Criteria: ACMG Guidelines, 2015. Collection method: clinical testing. Allele origin: germline.
Comment: This variant is located in intron 11 of the MYBPC3 gene (also known as IVS11-9G>A in literature). A mini-gene splicing assay has shown that the wild type construct results in approximately equal amounts of the normal transcript and the short transcript lacking exon 12, suggesting that the weak acceptor site of intron 11 was not always recognized (Crehalet 2012, DOI 10.4081/cardiogenetics.2012.e6). This study has also shown that this variant causes complete skipping of exon 12, which is expected to result in frameshift and premature translation stop. In a study using ventricular myocardial tissue from an individual affected with hypertrophic cardiomyopathy, this variant has been shown to cause inclusion of intron 11 and premature truncation in ~40% of the transcripts (PMID: 25031304). A recent study using RNA samples from two affected carriers did not detect aberrant splicing, although the possibility of RNA degradation cannot be ruled out (PMID: 30645170). This variant has been reported in over 20 individuals affected with hypertrophic cardiomyopathy (PMID: 20433692, 23549607, 24113344, 26914223, 28408708, 28615295, 28790153, 29030401, 33658374, 35508642, 37821546). This variant has also been reported to segregate with hypertrophic cardiomyopathy in multiple families (PMID: 20433692, 24113344; communication with external laboratory, ClinVar SCV000059334.6). This variant has been identified in 2/217270 chromosomes in the general population by the Genome Aggregation Database (gnomAD). Based on the available evidence, this variant is classified as Pathogenic.

CeGaT Center for Human Genetics Tuebingen
Classification: Pathogenic. Last evaluated: 2023-11-01. Review status: criteria provided, single submitter. Criteria: CeGaT Center For Human Genetics Tuebingen Variant Classification Criteria Version 2. Collection method: clinical testing. Allele origin: germline. Affected: yes. Observed: 3 variant alleles.
Comment: MYBPC3: PP1:Strong, PM2, PS3:Moderate, PS4:Moderate

CHEO Genetics Diagnostic Laboratory, Children's Hospital of Eastern Ontario
Classification: Pathogenic for Cardiomyopathy. Last evaluated: 2023-06-07. Review status: criteria provided, single submitter. Criteria: ACMG Guidelines, 2015. Collection method: clinical testing. Allele origin: germline.

Clinical Genetics Laboratory, Skane University Hospital Lund
Classification: Pathogenic. Last evaluated: 2023-01-05. Review status: criteria provided, single submitter. Criteria: ACMG Guidelines, 2015. Collection method: clinical testing. Allele origin: germline. Affected: yes.

GeneDx
Classification: Pathogenic. Last evaluated: 2022-02-02. Review status: criteria provided, single submitter. Criteria: GeneDx Variant Classification Process June 2021. Collection method: clinical testing. Allele origin: germline. Affected: yes.
Comment: Not observed at a significant frequency in large population cohorts (gnomAD); Published functional studies demonstrated that c.927-9 G>A leads to skipping of exon 12 and results in either an abnormal truncated protein or haploinsufficiency due to the creation of an unstable transcript (Helms et al., 2014; Crehalet et al., 2012); Reported in ClinVar as a pathogenic variant (ClinVar Variant ID# 42807); This variant is associated with the following publications: (PMID: 21488308, 31737537, 25217454, 27834932, 21415409, 31028938, 25031304, 24113344, 23549607, 24810389, 20433692, 27688314, 26914223, 28916354, 28790153, 29121657, 30645170, 31006259, 33673806, 31589614, 30550750, 32746448, 28679633, 31447099, 34135346)

Laboratory for Molecular Medicine, Mass General Brigham Personalized Medicine
Classification: Pathogenic for Hypertrophic cardiomyopathy. Last evaluated: 2021-09-23. Review status: criteria provided, single submitter. Criteria: ACMG Guidelines, 2015. Collection method: clinical testing. Allele origin: germline. Inheritance: Autosomal dominant inheritance.
Comment: The c.927-9G>A variant in MYBPC3 has been reported in >20 individuals with hypertrophic cardiomyopathy (HCM) and segregated with disease in at least 8 affected individuals from 7 families (Rodriguez-Garcia 2010 PMID: 21488307, Rodriguez-Garcia 2010 PMID: 20433692, Crehalet 2012, Das 2014 PMID: 24113344, Murphy 2016 PMID: 26914223, Viswanathan 2017 PMID: 29121657, Marschall 2019 PMID: 31737537, O'Leary 2019 PMID: 30550750, LMM data). It has also been reported by multiple clinical laboratories in ClinVar (Variation ID 42807) and has been identified in 0.001% (1/95618) of European chromosomes by gnomAD. This variant occurs in the conserved splice consensus sequence and in vitro splicing studies suggest that it disrupts splicing, leading to an abnormal or absent protein (Crehalet 2012, Helms 2014 PMID: 25031304). In summary, the c.927-9G>A variant meets criteria to be classified as pathogenic for autosomal dominant HCM. ACMG/AMP criteria applied: PS4, PP1_Strong, PS3_Moderate, PM2_Supporting.

Women's Health and Genetics/Laboratory Corporation of America, LabCorp
Classification: Pathogenic for Primary familial hypertrophic cardiomyopathy. Last evaluated: 2021-05-03. Review status: criteria provided, single submitter. Criteria: LabCorp Variant Classification Summary - May 2015. Collection method: clinical testing. Allele origin: germline.
Comment: Variant summary: MYBPC3 c.927-9G>A alters a non-conserved nucleotide located close to a canonical splice site and therefore could affect mRNA splicing, leading to a significantly altered protein sequence. 4/4 computational tools predict no significant impact on normal splicing, however at least one publication reports experimental evidence that this variant affects mRNA splicing, resulting in skipping of exon 12 (e.g. Crehalet_2012). The variant allele was found at a frequency of 5.4e-06 in 186306 control chromosomes. c.927-9G>A has been reported in the literature in multiple individuals affected with Hypertrophic Cardiomyopathy (e.g. Rodriguez-Garcia_2010, Crehalet_2012, Das_2014), and co-segregated with disease in multiple families (Rodriguez-Garcia_2010, Das_2014). These data indicate that the variant is very likely to be associated with disease. 11 other ClinVar submitters (evaluation after 2014) have cited the variant as pathogenic/likely pathogenic. Based on the evidence outlined above, the variant was classified as pathogenic.

CENTOGENE GmbH and LLC - Guiding Precision Medicine
Classification: Pathogenic for Hypertrophic cardiomyopathy 4. Last evaluated: 2020-12-03. Review status: criteria provided, single submitter. Criteria: ACMG Guidelines, 2015. Collection method: clinical testing. Allele origin: germline. Affected: yes.

Institute of Medical Genetics and Applied Genomics, University Hospital Tübingen
Classification: Pathogenic. Last evaluated: 2020-10-23. Review status: criteria provided, single submitter. Criteria: ACMG Guidelines, 2015. Collection method: clinical testing. Allele origin: germline. Inheritance: Autosomal dominant inheritance. Affected: yes.

Institute of Human Genetics, University of Leipzig Medical Center
Classification: Pathogenic for Hypertrophic cardiomyopathy 4. Last evaluated: 2019-01-01. Review status: criteria provided, single submitter. Criteria: ACMG Guidelines, 2015. Collection method: clinical testing. Allele origin: unknown. Affected: yes.